The following is an entry in ClinVar:

NM_018685.5(ANLN):c.1418C>T (p.Pro473Leu)

Gene: ANLN (anillin, actin binding protein; plus strand). Cytogenetic location: 7p14.2.
Variant type: single nucleotide variant.
Coding change: c.1418C>T on transcript NM_018685.5 (MANE Select); coding-DNA position 1418, C replaced by T.
Protein change: p.Pro473Leu; replaces proline 473 with leucine.
Molecular consequence: missense variant.
Genome position (GRCh38, 1-based): chr7:36,415,780, C>T. VCF-style: chr7-36415780-C-T. GRCh37 (hg19) VCF-style: chr7-36455389-C-T.
Other names: c.1418C>T (NM_018685.2); c.1418C>T, p.Pro473Leu (NM_001284301.3, NM_001284302.3); short protein forms P473L.
Identifiers: ClinVar variation 2078945 (VCV002078945.5), dbSNP rs937515102, ClinGen allele CA157083607.

ClinVar aggregate classification (germline): Uncertain significance. Review status: criteria provided, multiple submitters, no conflicts (2 of 4 stars). 2 submissions from 2 submitters: Uncertain significance (2). Last evaluated 2024-11-13.

Allele frequency attached by ClinVar (database versions not stated): gnomAD 0.00001; TOPMed 0.00001.

Submissions (2):

Ambry Genetics
Classification: Uncertain significance. Last evaluated: 2024-11-13. Review status: criteria provided, single submitter. Criteria: Ambry Variant Classification Scheme 2023. Collection method: clinical testing. Allele origin: germline.

Labcorp Genetics (formerly Invitae), Labcorp
Classification: Uncertain significance. Last evaluated: 2024-04-15. Review status: criteria provided, single submitter. Criteria: Invitae Variant Classification Sherloc (09022015). Collection method: clinical testing. Allele origin: germline.
Comment: This sequence change replaces proline, which is neutral and non-polar, with leucine, which is neutral and non-polar, at codon 473 of the ANLN protein (p.Pro473Leu). This variant is not present in population databases (gnomAD no frequency). This variant has not been reported in the literature in individuals affected with ANLN-related conditions. ClinVar contains an entry for this variant (Variation ID: 2078945). Advanced modeling of protein sequence and biophysical properties (such as structural, functional, and spatial information, amino acid conservation, physicochemical variation, residue mobility, and thermodynamic stability) performed at Invitae indicates that this missense variant is not expected to disrupt ANLN protein function with a negative predictive value of 80%. In summary, the available evidence is currently insufficient to determine the role of this variant in disease. Therefore, it has been classified as a Variant of Uncertain Significance.